The following is an entry in ClinVar:

NM_153704.6(TMEM67):c.2357G>C (p.Gly786Ala)

Gene: TMEM67 (transmembrane protein 67; plus strand). Cytogenetic location: 8q22.1.
Variant type: single nucleotide variant.
Coding change: c.2357G>C on transcript NM_153704.6 (MANE Select); coding-DNA position 2357, G replaced by C.
Protein change: p.Gly786Ala; replaces glycine 786 with alanine.
Molecular consequence: missense variant. On other transcripts: non-coding transcript variant (1).
Genome position (GRCh38, 1-based): chr8:93,804,796, G>C. VCF-style: chr8-93804796-G-C. GRCh37 (hg19) VCF-style: chr8-94817024-G-C.
Other names: c.2114G>C, p.Gly705Ala (NM_001142301.1); short protein forms G705A, G786A.
Identifiers: ClinVar variation 684615 (VCV000684615.4), dbSNP rs386834193, ClinGen allele CA371698060.

ClinVar aggregate classification (germline): Conflicting classifications of pathogenicity. Review status: criteria provided, conflicting classifications (1 of 4 stars). 2 submissions from 2 submitters: Likely pathogenic (1); Uncertain significance (1). Last evaluated 2024-12-03.

Conditions:
Meckel syndrome, type 3 (MKS3). Also called: MECKEL-GRUBER SYNDROME, TYPE 3. Identifiers: Orphanet 564, MedGen C1846357, MONDO:0011821, OMIM 607361.

Submissions (2):

Women's Health and Genetics/Laboratory Corporation of America, LabCorp
Classification: Uncertain significance. Last evaluated: 2024-12-03. Review status: criteria provided, single submitter. Criteria: LabCorp Variant Classification Summary - May 2015. Collection method: clinical testing. Allele origin: germline.
Comment: Variant summary: TMEM67 c.2357G>C (p.Gly786Ala) results in a non-conservative amino acid change in the encoded protein sequence. Five of five in-silico tools predict a damaging effect of the variant on protein function. The variant was absent in 250790 control chromosomes. c.2357G>C has been reported in the literature in at least one homozygous fetus affected with Meckel syndrome (e.g. Radhakrishnan_2019). These data indicate that the variant may be associated with disease. To our knowledge, no experimental evidence demonstrating an impact on protein function has been reported. The following publication has been ascertained in the context of this evaluation (PMID: 31411728). ClinVar contains an entry for this variant (Variation ID: 684615). Based on the evidence outlined above, the variant was classified as VUS-possibly pathogenic.

Kasturba Medical College, Manipal, Kasturba Medical College, Manipal, Manipal Academy of Higher Education, Manipal, India
Classification: Likely pathogenic for Meckel syndrome, type 3. Review status: criteria provided, single submitter. Criteria: ACMG Guidelines, 2015. Collection method: research. Allele origin: inherited. Inheritance: Autosomal recessive inheritance. Affected: yes. Observed: 1 homozygote.

Literature cited by the submitters: PubMed 31411728 (cited by Women's Health and Genetics/Laboratory Corporation of America, LabCorp).